The following is an entry in ClinVar:

NM_015294.6(TRIM37):c.1668-200G>A

Gene: TRIM37 (tripartite motif containing 37; minus strand). Cytogenetic location: 17q22.
Variant type: single nucleotide variant.
Coding change: c.1668-200G>A on transcript NM_015294.6 (MANE Select); 200 bases into the intron before coding-DNA position 1668, G replaced by A.
Molecular consequence: intron variant.
Genome position (GRCh38, 1-based): chr17:59,042,098, C>T on the plus strand (G>A on the coding strand, the complement: TRIM37 is on the minus strand). VCF-style: chr17-59042098-C-T. GRCh37 (hg19) VCF-style: chr17-57119459-C-T.
Other names: c.1668-200G>A (NM_001320989.3, NM_001005207.5, NM_001320988.3 and 1 more transcripts); c.1206-200G>A (NM_001353085.2); c.1566-200G>A (NM_001320987.3, NM_001353082.2); c.1617-200G>A (NM_001353086.2); c.933-200G>A (NM_001353083.2); c.1302-200G>A (NM_001320990.3).
Identifiers: ClinVar variation 4813945 (VCV004813945.1).
Genomic context (GRCh38, chr17:59,042,098, plus strand): 5'-ATTTTCCAAATTTAAGTAGCGTTAATGTTATTGTTTAAACAACCTTTAAAAAATATCGGC[C>T]GGGCGCGGTGGCTCATGCCTGTAATCCCAGCACTTTGGGAGGCTGAGGCAGGCGGATCAC-3'

ClinVar aggregate classification (germline): Likely benign (1 of 4 stars; one submission).

gnomAD v4.1: 877 of 151,974 alleles (0.58%); highest among the groups gnomAD compares: African/African-American, 2%; 13 homozygotes.

Submission:

GeneDx
Classification: Likely benign. Last evaluated: 2020-11-18. Review status: criteria provided, single submitter. Criteria: GeneDx Variant Classification Process June 2021. Collection method: clinical testing. Allele origin: germline. Affected: yes.
Comment: See Variant Classification Assertion Criteria.